The following is an entry in ClinVar:

ClinVar aggregate classification (germline): Uncertain significance. Review status: criteria provided, multiple submitters, no conflicts (2 of 4 stars). 2 submissions from 2 submitters: Uncertain significance (2). Last evaluated 2025-08-06.

Conditions:
Hereditary breast ovarian cancer syndrome. Also called: Hereditary breast and ovarian cancer syndrome (HBOC); BRCA1- and BRCA2-Associated Hereditary Breast and Ovarian Cancer; Hereditary breast and ovarian cancer syndrome; Breast and ovarian cancer; Hereditary breast and ovarian cancer; Hereditary breast and/or ovarian cancer syndrome. Identifiers: Orphanet 145, MedGen C0677776, MeSH D061325, MONDO:0003582. Disease mechanism: loss of function.
Hereditary cancer-predisposing syndrome. Also called: Hereditary neoplastic syndrome; Neoplastic Syndromes, Hereditary; Tumor predisposition; Hereditary Cancer Syndrome. Identifiers: Orphanet 140162, MedGen C0027672, MeSH D009386, MONDO:0015356.

Allele frequency attached by ClinVar (database versions not stated): gnomAD exomes below 0.00001; TOPMed 0.00001.

Submissions (2):

Labcorp Genetics (formerly Invitae), Labcorp
Classification: Uncertain significance for Hereditary breast ovarian cancer syndrome. Last evaluated: 2025-08-06. Review status: criteria provided, single submitter. Criteria: Invitae Variant Classification Sherloc (09022015). Collection method: clinical testing. Allele origin: germline.
Comment: This sequence change replaces proline, which is neutral and non-polar, with leucine, which is neutral and non-polar, at codon 46 of the BRCA2 protein (p.Pro46Leu). This variant is present in population databases (no rsID available, gnomAD 0.003%). This variant has not been reported in the literature in individuals affected with BRCA2-related conditions. ClinVar contains an entry for this variant (Variation ID: 531418). Invitae Evidence Modeling of protein sequence and biophysical properties (such as structural, functional, and spatial information, amino acid conservation, physicochemical variation, residue mobility, and thermodynamic stability) indicates that this missense variant is not expected to disrupt BRCA2 protein function with a negative predictive value of 95%. In summary, the available evidence is currently insufficient to determine the role of this variant in disease. Therefore, it has been classified as a Variant of Uncertain Significance.

Ambry Genetics
Classification: Uncertain significance for Hereditary cancer-predisposing syndrome. Last evaluated: 2022-05-10. Review status: criteria provided, single submitter. Criteria: Ambry Variant Classification Scheme 2023. Collection method: clinical testing. Allele origin: germline.
Comment: The p.P46L variant (also known as c.137C>T), located in coding exon 2 of the BRCA2 gene, results from a C to T substitution at nucleotide position 137. The proline at codon 46 is replaced by leucine, an amino acid with similar properties. This amino acid position is conserved. In addition, this alteration is predicted to be tolerated by in silico analysis. Since supporting evidence is limited at this time, the clinical significance of this alteration remains unclear.

NM_000059.4(BRCA2):c.137C>T (p.Pro46Leu)

Gene: BRCA2 (BRCA2 DNA repair associated; plus strand). Cytogenetic location: 13q13.1.
Variant type: single nucleotide variant.
Coding change: c.137C>T on transcript NM_000059.4 (MANE Select); coding-DNA position 137, C replaced by T.
Protein change: p.Pro46Leu; replaces proline 46 with leucine.
Molecular consequence: missense variant.
Genome position (GRCh38, 1-based): chr13:32,319,146, C>T. VCF-style: chr13-32319146-C-T. GRCh37 (hg19) VCF-style: chr13-32893283-C-T.
Other names: short protein forms P46L.
Identifiers: ClinVar variation 531418 (VCV000531418.9), dbSNP rs1216148236, ClinGen allele CA387754257.
Genomic context (GRCh38, chr13:32,319,146, plus strand): 5'-CAATAAGTCTTAATTGGTTTGAAGAACTTTCTTCAGAAGCTCCACCCTATAATTCTGAAC[C>T]TGCAGAAGAATCTGAACATAAAAACAACAATTACGAACCAAACCTATTTAAAACTCCACA-3'
Protein context (NP_000050.3, residues 36-56): SSEAPPYNSE[Pro46Leu]AEESEHKNNN